The following is an entry in ClinVar:

ClinVar aggregate classification (germline): Benign/Likely benign. Review status: criteria provided, multiple submitters, no conflicts (2 of 4 stars). 3 submissions from 3 submitters: Benign (1); Likely benign (2). Last evaluated 2026-02-01.

Allele frequency attached by ClinVar (database versions not stated): gnomAD exomes 0.00047 and 0.00116; ExAC 0.00133; gnomAD 0.00355 and 0.00382; 1000 Genomes Project 0.00379; 1000 Genomes Project 30x 0.00406; TOPMed 0.00407; ESP Exome Variant Server 0.00408.
gnomAD v4.1: 1,227 of 1,584,914 alleles (0.077%); highest among the groups gnomAD compares: African/African-American, 1.2%; 7 homozygotes.

Submissions (3):

Labcorp Genetics (formerly Invitae), Labcorp
Classification: Benign. Last evaluated: 2026-02-01. Review status: criteria provided, single submitter. Criteria: Invitae Variant Classification Sherloc (09022015). Collection method: clinical testing. Allele origin: germline.

Blueprint Genetics
Classification: Likely benign. Last evaluated: 2024-11-01. Review status: criteria provided, single submitter. Criteria: ACMG Guidelines, 2015. Collection method: clinical testing. Allele origin: germline.

GeneDx
Classification: Likely benign. Last evaluated: 2015-12-31. Review status: criteria provided, single submitter. Criteria: GeneDx Variant Classification (06012015). Collection method: clinical testing. Allele origin: germline. Affected: yes.
Comment: This variant is considered likely benign or benign based on one or more of the following criteria: it is a conservative change, it occurs at a poorly conserved position in the protein, it is predicted to be benign by multiple in silico algorithms, and/or has population frequency not consistent with disease.

NM_018249.6(CDK5RAP2):c.1000-20T>C

Gene: CDK5RAP2 (CDK5 regulatory subunit associated protein 2; minus strand). Cytogenetic location: 9q33.2.
Variant type: single nucleotide variant.
Coding change: c.1000-20T>C on transcript NM_018249.6 (MANE Select); 20 bases into the intron before coding-DNA position 1000, T replaced by C.
Molecular consequence: intron variant.
Genome position (GRCh38, 1-based): chr9:120,525,098, A>G on the plus strand (T>C on the coding strand, the complement: CDK5RAP2 is on the minus strand). VCF-style: chr9-120525098-A-G. GRCh37 (hg19) VCF-style: chr9-123287376-A-G.
Other names: c.1000-20T>C (NM_001272039.2, NM_001011649.3).
Identifiers: ClinVar variation 382726 (VCV000382726.7), dbSNP rs147373270, ClinGen allele CA5214527.